The following is an entry in ClinVar:

NM_014956.5(CEP164):c.4237_4238delinsTA (p.Ile1413Tyr)

Gene: CEP164 (centrosomal protein 164; plus strand). Cytogenetic location: 11q23.3.
Variant type: Indel.
Coding change: c.4237_4238delinsTA on transcript NM_014956.5 (MANE Select); coding-DNA positions 4237 to 4238, AT replaced by TA.
Protein change: p.Ile1413Tyr; replaces isoleucine 1413 with tyrosine.
Molecular consequence: missense variant.
Genome position (GRCh38, 1-based): chr11:117,411,868-117,411,869, AT replaced by TA. VCF-style: chr11-117411868-AT-TA. GRCh37 (hg19) VCF-style: chr11-117282584-AT-TA.
Other names: c.4222_4223delinsTA, p.Ile1408Tyr (NM_001271933.2); short protein forms I1408Y, I1413Y.
Identifiers: ClinVar variation 2105448 (VCV002105448.4), dbSNP rs2542879921, ClinGen allele CA2580083507.

ClinVar aggregate classification (germline): Uncertain significance (1 of 4 stars; one submission).

Conditions:
Nephronophthisis 15 (NPHP15). Identifiers: Orphanet 3156, MedGen C3541853, MONDO:0013917, OMIM 614845.

Submission:

Labcorp Genetics (formerly Invitae), Labcorp
Classification: Uncertain significance for Nephronophthisis 15. Last evaluated: 2022-03-01. Review status: criteria provided, single submitter. Criteria: Invitae Variant Classification Sherloc (09022015). Collection method: clinical testing. Allele origin: germline.
Comment: Information on the frequency of this variant in the gnomAD database is not available, as this variant may be reported differently in the database. In summary, the available evidence is currently insufficient to determine the role of this variant in disease. Therefore, it has been classified as a Variant of Uncertain Significance. Algorithms developed to predict the effect of missense changes on protein structure and function are either unavailable or do not agree on the potential impact of this missense change (SIFT: "Not Available"; PolyPhen-2: "Probably Damaging"; Align-GVGD: "Not Available"). This variant has not been reported in the literature in individuals affected with CEP164-related conditions. This sequence change replaces isoleucine, which is neutral and non-polar, with tyrosine, which is neutral and polar, at codon 1413 of the CEP164 protein (p.Ile1413Tyr).